The following is an entry in ClinVar:

ClinVar aggregate classification (germline): Conflicting classifications of pathogenicity. Review status: criteria provided, conflicting classifications (1 of 4 stars). 11 submissions from 7 submitters: Uncertain significance (3); Benign (3); Likely benign (5). Last evaluated 2026-02-19.

Conditions:
TTN-related disorder. Also called: TTN-related disorders; TTN-related condition; TTN-related disease.
Cardiovascular phenotype. Identifiers: MedGen CN230736.
Autosomal recessive limb-girdle muscular dystrophy type 2J (LGMDR10). Also called: MUSCULAR DYSTROPHY, LIMB-GIRDLE, AUTOSOMAL RECESSIVE 10; Limb-girdle muscular dystrophy, type 2J. Identifiers: Orphanet 140922, MedGen C1837342, MONDO:0012127, OMIM 608807.
Dilated cardiomyopathy 1G (CMD1G). Identifiers: Orphanet 154, MedGen C1858763, MONDO:0011400, OMIM 604145.
Tibial muscular dystrophy (TMD). Also called: UDD MYOPATHY; Tibial muscular dystrophy, tardive; Udd Distal Myopathy – Tibial Muscular Dystrophy. Identifiers: Orphanet 609, MedGen C1838244, MONDO:0010870, OMIM 600334.
Early-onset myopathy with fatal cardiomyopathy (CMYO5). Also called: Salih Myopathy; CONGENITAL MYOPATHY 5 WITH CARDIOMYOPATHY. Identifiers: Orphanet 289377, MedGen C2673677, MONDO:0012714, OMIM 611705. Disease mechanism: loss of function.
Myopathy, myofibrillar, 9, with early respiratory failure (MFM9). Also called: Myopathy, distal, with early respiratory failure, autosomal dominant; Hereditary myopathy with early respiratory failure; EDSTROM MYOPATHY; MYOPATHY, PROXIMAL, WITH EARLY RESPIRATORY MUSCLE INVOLVEMENT. Identifiers: Orphanet 178464, Orphanet 34521, MedGen C1863599, MONDO:0011362, OMIM 603689.

Allele frequency attached by ClinVar (database versions not stated): gnomAD 0.00009; TOPMed 0.00009; ExAC 0.00011; gnomAD exomes 0.00015.
gnomAD v4.1: 154 of 1,613,572 alleles (0.0095%); highest among the groups gnomAD compares: Non-Finnish European, 0.0019%; no homozygotes.

Submissions (11):

PreventionGenetics, part of Exact Sciences
Classification: Likely benign for TTN-related condition. Last evaluated: 2026-02-19. Review status: criteria provided, single submitter. Criteria: ACMG Guidelines, 2015. Collection method: clinical testing. Allele origin: germline.
Comment: This variant is classified as likely benign based on ACMG/AMP sequence variant interpretation guidelines (Richards et al. 2015 PMID: 25741868, with internal and published modifications).

Labcorp Genetics (formerly Invitae), Labcorp
Classification: Likely benign for Dilated cardiomyopathy 1G; Autosomal recessive limb-girdle muscular dystrophy type 2J. Last evaluated: 2026-01-26. Review status: criteria provided, single submitter. Criteria: Invitae Variant Classification Sherloc (09022015). Collection method: clinical testing. Allele origin: germline.

CeGaT Center for Human Genetics Tuebingen
Classification: Likely benign. Last evaluated: 2024-07-01. Review status: criteria provided, single submitter. Criteria: CeGaT Center For Human Genetics Tuebingen Variant Classification Criteria Version 2. Collection method: clinical testing. Allele origin: germline. Affected: yes. Observed: 8 variant alleles.
Comment: TTN: BP4

Ambry Genetics
Classification: Likely benign for Cardiovascular phenotype. Last evaluated: 2022-12-16. Review status: criteria provided, single submitter. Criteria: Ambry Variant Classification Scheme 2023. Collection method: clinical testing. Allele origin: germline.

GeneDx
Classification: Likely benign. Last evaluated: 2020-01-03. Review status: criteria provided, single submitter. Criteria: GeneDx Variant Classification Process June 2021. Collection method: clinical testing. Allele origin: germline. Affected: yes.

Illumina Laboratory Services, Illumina
Classification: Benign for Myopathy, myofibrillar, 9, with early respiratory failure. Last evaluated: 2018-01-12. Review status: criteria provided, single submitter. Criteria: ICSL Variant Classification Criteria 13 December 2019. Collection method: clinical testing. Allele origin: germline.
Comment: This variant was observed in the ICSL laboratory as part of a predisposition screen in an ostensibly healthy population. It had not been previously curated by ICSL or reported in the Human Gene Mutation Database (HGMD: prior to June 1st, 2018), and was therefore a candidate for classification through an automated scoring system. Utilizing variant allele frequency, disease prevalence and penetrance estimates, and inheritance mode, an automated score was calculated to assess if this variant is too frequent to cause the disease. Based on the score and internal cut-off values, a variant classified as benign is not then subjected to further curation. The score for this variant resulted in a classification of benign for this disease.

Illumina Laboratory Services, Illumina
Classification: Uncertain significance for Early-onset myopathy with fatal cardiomyopathy. Last evaluated: 2018-01-12. Review status: criteria provided, single submitter. Criteria: ICSL Variant Classification Criteria 13 December 2019. Collection method: clinical testing. Allele origin: germline.

Illumina Laboratory Services, Illumina
Classification: Uncertain significance for Autosomal recessive limb-girdle muscular dystrophy type 2J. Last evaluated: 2018-01-12. Review status: criteria provided, single submitter. Criteria: ICSL Variant Classification Criteria 13 December 2019. Collection method: clinical testing. Allele origin: germline.

Illumina Laboratory Services, Illumina
Classification: Benign for Tibial muscular dystrophy. Last evaluated: 2018-01-12. Review status: criteria provided, single submitter. Criteria: ICSL Variant Classification Criteria 13 December 2019. Collection method: clinical testing. Allele origin: germline.
Comment: the same text as in the submission from Illumina Laboratory Services, Illumina above.

Illumina Laboratory Services, Illumina
Classification: Uncertain significance for Dilated cardiomyopathy 1G. Last evaluated: 2018-01-12. Review status: criteria provided, single submitter. Criteria: ICSL Variant Classification Criteria 13 December 2019. Collection method: clinical testing. Allele origin: germline.

Eurofins Ntd Llc (ga)
Classification: Benign. Last evaluated: 2017-05-04. Review status: criteria provided, single submitter. Criteria: EGL Classification Definitions 2015. Collection method: clinical testing. Allele origin: germline. Observed: 3 variant alleles, 3 heterozygotes.

NM_001267550.2(TTN):c.83059C>T (p.Leu27687=)

Genes: TTN (titin; minus strand), TTN-AS1 (TTN antisense RNA 1; plus strand). Cytogenetic location: 2q31.2.
Variant type: single nucleotide variant.
Coding change: c.83059C>T on transcript NM_001267550.2 (MANE Select); coding-DNA position 83059, C replaced by T.
Protein change: p.Leu27687=; no amino-acid change (leucine 27687 retained).
Molecular consequence: synonymous variant.
Genome position (GRCh38, 1-based): chr2:178,563,073, G>A on the plus strand (C>T on the coding strand, the complement: TTN is on the minus strand). VCF-style: chr2-178563073-G-A. GRCh37 (hg19) VCF-style: chr2-179427800-G-A.
Other names: c.78136C>T, p.Leu26046= (NM_001256850.1); c.55864C>T, p.Leu18622= (NM_003319.4); c.75355C>T, p.Leu25119= (NM_133378.4); c.56239C>T, p.Leu18747= (NM_133432.3); c.56440C>T, p.Leu18814= (NM_133437.4).
Identifiers: ClinVar variation 290714 (VCV000290714.55), dbSNP rs200992636, ClinGen allele CA1988979.